The following is an entry in ClinVar:

ClinVar aggregate classification (germline): Likely benign. Review status: criteria provided, single submitter (1 of 4 stars). 2 submissions from 2 submitters: Likely benign (1). 1 of the submissions does not count toward it. Last evaluated 2024-08-21.

Conditions:
TTC8-related disorder. Also called: TTC8-related condition.
Bardet-Biedl syndrome (BBS). Identifiers: Orphanet 110, MedGen C0752166, MONDO:0015229.

Allele frequency attached by ClinVar (database versions not stated): gnomAD 0.00001.
gnomAD v4.1: 3 of 1,613,118 alleles (0.00019%); highest among the groups gnomAD compares: African/African-American, 0.0027%; no homozygotes.

Submissions (2):

Labcorp Genetics (formerly Invitae), Labcorp
Classification: Likely benign for Bardet-Biedl syndrome. Last evaluated: 2024-08-21. Review status: criteria provided, single submitter. Criteria: Invitae Variant Classification Sherloc (09022015). Collection method: clinical testing. Allele origin: germline.

PreventionGenetics, part of Exact Sciences
Classification: Likely benign for TTC8-related condition. Last evaluated: 2021-08-11. Review status: no assertion criteria provided. Collection method: clinical testing. Allele origin: germline. Not counted in ClinVar's aggregate classification.
Comment: This variant is classified as likely benign based on ACMG/AMP sequence variant interpretation guidelines (Richards et al. 2015 PMID: 25741868, with internal and published modifications).

NM_144596.4(TTC8):c.1527G>A (p.Arg509=)

Gene: TTC8 (tetratricopeptide repeat domain 8; plus strand). Cytogenetic location: 14q31.3.
Variant type: single nucleotide variant.
Coding change: c.1527G>A on transcript NM_144596.4 (MANE Select); coding-DNA position 1527, G replaced by A.
Protein change: p.Arg509=; no amino-acid change (arginine 509 retained).
Molecular consequence: synonymous variant. On other transcripts: non-coding transcript variant (1).
Genome position (GRCh38, 1-based): chr14:88,877,389, G>A. VCF-style: chr14-88877389-G-A. GRCh37 (hg19) VCF-style: chr14-89343733-G-A.
Other names: c.1575G>A, p.Arg525= (NM_001288781.1); c.933G>A, p.Arg311= (NM_001288782.1); c.810G>A, p.Arg270= (NM_001288783.1); c.1413G>A, p.Arg471= (NM_001366535.2); c.1323G>A, p.Arg441= (NM_001366536.2); c.1497G>A, p.Arg499= (NM_198309.3); c.1407G>A, p.Arg469= (NM_198310.3).
Identifiers: ClinVar variation 3035195 (VCV003035195.4), dbSNP rs896940763, ClinGen allele CA264575980.